The following is an entry in ClinVar:

ClinVar aggregate classification (germline): Uncertain significance (1 of 4 stars; one submission).

Conditions:
Epidermolysis bullosa simplex 5B, with muscular dystrophy (EBS5B). Also called: Epidermolysis bullosa simplex with muscular dystrophy; EPIDERMOLYSIS BULLOSA SIMPLEX AND LIMB-GIRDLE MUSCULAR DYSTROPHY. Identifiers: Orphanet 257, MedGen C2931072, MONDO:0009181, OMIM 226670.
Epidermolysis bullosa simplex, Ogna type (EBS5A). Also called: Pidermolysis bullosa simplex 5A, Ogna type; EPIDERMOLYSIS BULLOSA SIMPLEX 5A, OGNA TYPE. Identifiers: Orphanet 79401, MedGen C0432317, MONDO:0007555, OMIM 131950.
Epidermolysis bullosa simplex 5C, with pyloric atresia (EBS5C). Also called: PLEC-Related Epidermolysis Bullosa with Pyloric Atresia; Epidermolysis bullosa simplex with pyloric atresia; PLEC1-Related Epidermolysis Bullosa with Pyloric Atresia. Identifiers: Orphanet 158684, MedGen C2677349, MONDO:0012807, OMIM 612138.
Autosomal recessive limb-girdle muscular dystrophy type 2Q (LGMDR17). Also called: MUSCULAR DYSTROPHY, LIMB-GIRDLE, AUTOSOMAL RECESSIVE 17. Identifiers: Orphanet 254361, MedGen C3150989, MONDO:0013390, OMIM 613723.
Epidermolysis bullosa simplex with nail dystrophy (EBS5D). Identifiers: MedGen C4225309, MONDO:0014661, OMIM 616487.

Allele frequency attached by ClinVar (database versions not stated): gnomAD exomes below 0.00001; gnomAD 0.00001.
gnomAD v4.1: 2 of 1,610,482 alleles (0.00012%); highest among the groups gnomAD compares: East Asian, 0.0022%; no homozygotes.

Submission:

Labcorp Genetics (formerly Invitae), Labcorp
Classification: Uncertain significance for Autosomal recessive limb-girdle muscular dystrophy type 2Q; Epidermolysis bullosa simplex, Ogna type; Epidermolysis bullosa simplex with nail dystrophy; Epidermolysis bullosa simplex 5C, with pyloric atresia; Epidermolysis bullosa simplex 5B, with muscular dystrophy. Last evaluated: 2022-07-02. Review status: criteria provided, single submitter. Criteria: Invitae Variant Classification Sherloc (09022015). Collection method: clinical testing. Allele origin: germline.
Comment: This sequence change replaces aspartic acid, which is acidic and polar, with asparagine, which is neutral and polar, at codon 4436 of the PLEC protein (p.Asp4436Asn). This variant is not present in population databases (gnomAD no frequency). In summary, the available evidence is currently insufficient to determine the role of this variant in disease. Therefore, it has been classified as a Variant of Uncertain Significance. Algorithms developed to predict the effect of missense changes on protein structure and function are either unavailable or do not agree on the potential impact of this missense change (SIFT: "Deleterious"; PolyPhen-2: "Probably Damaging"; Align-GVGD: "Class C15"). This variant has not been reported in the literature in individuals affected with PLEC-related conditions.

NM_201384.3(PLEC):c.13225G>A (p.Asp4409Asn)

Gene: PLEC (plectin; minus strand). Cytogenetic location: 8q24.3.
Variant type: single nucleotide variant.
Coding change: c.13225G>A on transcript NM_201384.3 (MANE Select); coding-DNA position 13225, G replaced by A.
Protein change: p.Asp4409Asn; replaces aspartic acid 4409 with asparagine.
Molecular consequence: missense variant.
Genome position (GRCh38, 1-based): chr8:143,916,596, C>T on the plus strand (G>A on the coding strand, the complement: PLEC is on the minus strand). VCF-style: chr8-143916596-C-T. GRCh37 (hg19) VCF-style: chr8-144990764-C-T.
Other names: c.13306G>A, p.Asp4436Asn (NM_000445.5); c.9925G>A, p.Asp3309Asn (NM_001410941.1); c.13183G>A, p.Asp4395Asn (NM_201378.4); c.13159G>A, p.Asp4387Asn (NM_201379.3); c.13636G>A, p.Asp4546Asn (NM_201380.4); c.13129G>A, p.Asp4377Asn (NM_201381.3); c.13225G>A, p.Asp4409Asn (NM_201382.4); c.13237G>A, p.Asp4413Asn (NM_201383.3); short protein forms D4387N, D4413N, D3309N, D4377N, D4436N, D4546N, D4395N, D4409N.
Identifiers: ClinVar variation 2013122 (VCV002013122.4), dbSNP rs1820652178, ClinGen allele CA372475921.